The following is an entry in ClinVar:

NM_012073.5(CCT5):c.*1377C>G

Gene: CCT5 (chaperonin containing TCP1 subunit 5; plus strand). Cytogenetic location: 5p15.2.
Variant type: single nucleotide variant.
Coding change: c.*1377C>G on transcript NM_012073.5 (MANE Select); 1377 bases downstream of the stop codon, C replaced by G.
Molecular consequence: 3 prime UTR variant.
Genome position (GRCh38, 1-based): chr5:10,266,160, C>G. VCF-style: chr5-10266160-C-G. GRCh37 (hg19) VCF-style: chr5-10266272-C-G.
Other names: c.*1377C>G (NM_001306153.1, NM_001306154.2, NM_001306155.2 and 1 more transcripts).
Identifiers: ClinVar variation 350290 (VCV000350290.5), dbSNP rs11956986, ClinGen allele CA10618733.

ClinVar aggregate classification (germline): Benign (1 of 4 stars; one submission).

Conditions:
Hereditary sensory and autonomic neuropathy with spastic paraplegia (HSNSP). Identifiers: Orphanet 139578, MedGen C1850395, MONDO:0009748, OMIM 256840.

Allele frequency attached by ClinVar (database versions not stated): 1000 Genomes Project 0.02137; 1000 Genomes Project 30x 0.02186; gnomAD 0.02186 and 0.02353; TOPMed 0.02431.

Submission:

Illumina Laboratory Services, Illumina
Classification: Benign for Hereditary sensory and autonomic neuropathy with spastic paraplegia. Last evaluated: 2018-01-12. Review status: criteria provided, single submitter. Criteria: ICSL Variant Classification Criteria 13 December 2019. Collection method: clinical testing. Allele origin: germline.
Comment: This variant was observed in the ICSL laboratory as part of a predisposition screen in an ostensibly healthy population. It had not been previously curated by ICSL or reported in the Human Gene Mutation Database (HGMD: prior to June 1st, 2018), and was therefore a candidate for classification through an automated scoring system. Utilizing variant allele frequency, disease prevalence and penetrance estimates, and inheritance mode, an automated score was calculated to assess if this variant is too frequent to cause the disease. Based on the score and internal cut-off values, a variant classified as benign is not then subjected to further curation. The score for this variant resulted in a classification of benign for this disease.